The following is an entry in ClinVar:

NM_001039141.3(TRIOBP):c.5185-2A>G

Gene: TRIOBP (TRIO and F-actin binding protein; plus strand). Cytogenetic location: 22q13.1.
Variant type: single nucleotide variant.
Coding change: c.5185-2A>G on transcript NM_001039141.3 (MANE Select); the canonical splice acceptor site of the intron before coding-DNA position 5185, A replaced by G.
Molecular consequence: splice acceptor variant.
Genome position (GRCh38, 1-based): chr22:37,740,893, A>G. VCF-style: chr22-37740893-A-G. GRCh37 (hg19) VCF-style: chr22-38136900-A-G.
Identifiers: ClinVar variation 2629568 (VCV002629568.3), dbSNP rs767529592, ClinGen allele CA10224541.

ClinVar aggregate classification (germline): Likely pathogenic. Review status: criteria provided, multiple submitters, no conflicts (2 of 4 stars). 2 submissions from 2 submitters: Likely pathogenic (2). Last evaluated 2022-10-25.

Conditions:
Autosomal recessive nonsyndromic hearing loss 28. Identifiers: Orphanet 90636, MedGen C1853276, MONDO:0012355, OMIM 609823.
TRIOBP-related disorder. Also called: TRIOBP-related condition.

Allele frequency attached by ClinVar (database versions not stated): gnomAD 0.00001; gnomAD exomes 0.00001; TOPMed 0.00002; ExAC 0.00004; 1000 Genomes Project 30x 0.00016.
gnomAD v4.1: 15 of 1,571,304 alleles (0.00095%); highest among the groups gnomAD compares: East Asian, 0.032%; no homozygotes.

Submissions (2):

PreventionGenetics, part of Exact Sciences
Classification: Likely pathogenic for TRIOBP-related condition. Last evaluated: 2022-10-25. Review status: criteria provided, single submitter. Criteria: ACMG Guidelines, 2015. Collection method: clinical testing. Allele origin: germline.
Comment: The TRIOBP c.5185-2A>G variant is predicted to disrupt the AG splice acceptor site and interfere with normal splicing. This variant, along with other variants in different genes, was reported in the heterozygous state in an individual with hearing loss (Sun et al. 2019. PubMed ID: 30896630). This variant was also reported in the compound heterozygous state in two individuals from the same family, both with non-syndrome hearing loss (Feng et al. 2021. PubMed ID: 33974254) and was reported along with another TRIOBP variant in a patient with severe prelingual hearing loss (Wang et al 2021. PubMed ID: 33597575). This variant is reported in 0.081% of alleles in individuals of East Asian descent in gnomAD. Variants that disrupt the consensus splice acceptor site in TRIOBP are expected to be pathogenic. This variant is interpreted as likely pathogenic.

Juno Genomics, Hangzhou Juno Genomics, Inc
Classification: Likely pathogenic for Autosomal recessive nonsyndromic hearing loss 28. Review status: criteria provided, single submitter. Criteria: ACMG Guidelines, 2015. Collection method: clinical testing. Allele origin: germline.
Comment: Absent from controls (or at extremely low frequency if recessive) in Genome Aggregation Database.;Null variant in a gene where loss of function (LOF) is a known mechanism of disease.;For recessive disorders, detected in trans with a pathogenic variant.